The following is an entry in ClinVar:

ClinVar aggregate classification (germline): Uncertain significance (1 of 4 stars; one submission).

Conditions:
Long QT syndrome (LQTS). Identifiers: MedGen C0023976, MeSH D008133, MONDO:0002442. Disease mechanism: loss of function. Inheritance: Various modes of inheritance.

gnomAD v4.1: 18 of 1,614,172 alleles (0.0011%); highest among the groups gnomAD compares: Non-Finnish European, 0.0015%; no homozygotes.

Submission:

Labcorp Genetics (formerly Invitae), Labcorp
Classification: Uncertain significance for Long QT syndrome. Last evaluated: 2022-06-10. Review status: criteria provided, single submitter. Criteria: Invitae Variant Classification Sherloc (09022015). Collection method: clinical testing. Allele origin: germline.
Comment: In summary, the available evidence is currently insufficient to determine the role of this variant in disease. Therefore, it has been classified as a Variant of Uncertain Significance. Algorithms developed to predict the effect of missense changes on protein structure and function (SIFT, PolyPhen-2, Align-GVGD) all suggest that this variant is likely to be disruptive. This variant has not been reported in the literature in individuals affected with ANK2-related conditions. This variant is not present in population databases (gnomAD no frequency). This sequence change replaces glycine, which is neutral and non-polar, with aspartic acid, which is acidic and polar, at codon 1169 of the ANK2 protein (p.Gly1169Asp).

NM_001148.6(ANK2):c.3506G>A (p.Gly1169Asp)

Gene: ANK2 (ankyrin 2; plus strand). Cytogenetic location: 4q26.
Variant type: single nucleotide variant.
Coding change: c.3506G>A on transcript NM_001148.6 (MANE Select); coding-DNA position 3506, G replaced by A.
Protein change: p.Gly1169Asp; replaces glycine 1169 with aspartic acid.
Molecular consequence: missense variant. On other transcripts: 5 prime UTR variant (2).
Genome position (GRCh38, 1-based): chr4:113,335,972, G>A. VCF-style: chr4-113335972-G-A. GRCh37 (hg19) VCF-style: chr4-114257128-G-A.
Other names: c.3479G>A, p.Gly1160Asp (NM_001127493.3); c.3518G>A, p.Gly1173Asp (NM_001354225.2); c.3407G>A, p.Gly1136Asp (NM_001354228.2, NM_001354258.2); c.3485G>A, p.Gly1162Asp (NM_001354230.2); c.3548G>A, p.Gly1183Asp (NM_001354231.2, NM_001354242.2); c.3542G>A, p.Gly1181Asp (NM_001354232.2); c.3503G>A, p.Gly1168Asp (NM_001354235.2, NM_001354246.2, NM_001354265.2); c.3404G>A, p.Gly1135Asp (NM_001354236.2); and 31 more; short protein forms G1115D, G1117D, G1124D, G1126D, G1147D, G1162D, G345D, G357D.
Identifiers: ClinVar variation 1361409 (VCV001361409.6), dbSNP rs2153958712, ClinGen allele CA357937727.
Genomic context (GRCh38, chr4:113,335,972, plus strand): 5'-AGTACTTTGCAGTGGTGTCTCGTATCAAACAGGACAGCAATCTGATTGGCCCAGAAGGAG[G>A]TGTACTGAGCAGCACAGTGGTGCCCCAGGTGCAGGCCGTCTTCCCAGAGGGGGCACTCAC-3'
Protein context (NP_001139.3, residues 1159-1179): QDSNLIGPEG[Gly1169Asp]VLSSTVVPQV